The following is an entry in ClinVar:

ClinVar aggregate classification (germline): Uncertain significance (1 of 4 stars; one submission).

Conditions:
Inborn genetic diseases. Identifiers: MedGen C0950123, MeSH D030342.

Submission:

Ambry Genetics
Classification: Uncertain significance for Inborn genetic diseases. Last evaluated: 2024-05-20. Review status: criteria provided, single submitter. Criteria: Ambry Variant Classification Scheme 2023. Collection method: clinical testing. Allele origin: germline.
Comment: The p.S975F variant (also known as c.2924C>T), located in coding exon 23 of the LRRK2 gene, results from a C to T substitution at nucleotide position 2924. The serine at codon 975 is replaced by phenylalanine, an amino acid with highly dissimilar properties. This amino acid position is conserved. In addition, this alteration is predicted to be tolerated by in silico analysis. Based on the available evidence, the clinical significance of this variant remains unclear.

NM_198578.4(LRRK2):c.2924C>T (p.Ser975Phe)

Gene: LRRK2 (leucine rich repeat kinase 2; plus strand). Cytogenetic location: 12q12.
Variant type: single nucleotide variant.
Coding change: c.2924C>T on transcript NM_198578.4 (MANE Select); coding-DNA position 2924, C replaced by T.
Protein change: p.Ser975Phe; replaces serine 975 with phenylalanine.
Molecular consequence: missense variant.
Genome position (GRCh38, 1-based): chr12:40,295,472, C>T. VCF-style: chr12-40295472-C-T. GRCh37 (hg19) VCF-style: chr12-40689274-C-T.
Other names: short protein forms S975F.
Identifiers: ClinVar variation 3291910 (VCV003291910.1).